The following is an entry in ClinVar:

ClinVar aggregate classification (germline): Uncertain significance (1 of 4 stars; one submission).

Conditions:
Epidermolysis bullosa simplex 5B, with muscular dystrophy (EBS5B). Also called: EPIDERMOLYSIS BULLOSA SIMPLEX AND LIMB-GIRDLE MUSCULAR DYSTROPHY; Epidermolysis bullosa simplex with muscular dystrophy. Identifiers: Orphanet 257, MedGen C2931072, MONDO:0009181, OMIM 226670.
Epidermolysis bullosa simplex, Ogna type (EBS5A). Also called: Pidermolysis bullosa simplex 5A, Ogna type; EPIDERMOLYSIS BULLOSA SIMPLEX 5A, OGNA TYPE. Identifiers: Orphanet 79401, MedGen C0432317, MONDO:0007555, OMIM 131950.
Epidermolysis bullosa simplex 5C, with pyloric atresia (EBS5C). Also called: Epidermolysis bullosa simplex with pyloric atresia; PLEC-Related Epidermolysis Bullosa with Pyloric Atresia; PLEC1-Related Epidermolysis Bullosa with Pyloric Atresia. Identifiers: Orphanet 158684, MedGen C2677349, MONDO:0012807, OMIM 612138.
Autosomal recessive limb-girdle muscular dystrophy type 2Q (LGMDR17). Also called: MUSCULAR DYSTROPHY, LIMB-GIRDLE, AUTOSOMAL RECESSIVE 17. Identifiers: Orphanet 254361, MedGen C3150989, MONDO:0013390, OMIM 613723.
Epidermolysis bullosa simplex with nail dystrophy (EBS5D). Identifiers: MedGen C4225309, MONDO:0014661, OMIM 616487.

gnomAD v4.1: 3 of 1,594,014 alleles (0.00019%); highest among the groups gnomAD compares: Non-Finnish European, 0.00026%; no homozygotes.

Submission:

Labcorp Genetics (formerly Invitae), Labcorp
Classification: Uncertain significance for Autosomal recessive limb-girdle muscular dystrophy type 2Q; Epidermolysis bullosa simplex, Ogna type; Epidermolysis bullosa simplex with nail dystrophy; Epidermolysis bullosa simplex 5C, with pyloric atresia; Epidermolysis bullosa simplex 5B, with muscular dystrophy. Last evaluated: 2025-09-19. Review status: criteria provided, single submitter. Criteria: Invitae Variant Classification Sherloc (09022015). Collection method: clinical testing. Allele origin: germline.
Comment: This sequence change replaces aspartic acid, which is acidic and polar, with tyrosine, which is neutral and polar, at codon 1174 of the PLEC protein (p.Asp1174Tyr). This variant is not present in population databases (gnomAD no frequency). This variant has not been reported in the literature in individuals affected with PLEC-related conditions. Invitae Evidence Modeling of protein sequence and biophysical properties (such as structural, functional, and spatial information, amino acid conservation, physicochemical variation, residue mobility, and thermodynamic stability) indicates that this missense variant is not expected to disrupt PLEC protein function with a negative predictive value of 80%. In summary, the available evidence is currently insufficient to determine the role of this variant in disease. Therefore, it has been classified as a Variant of Uncertain Significance.

NM_201384.3(PLEC):c.3439G>T (p.Asp1147Tyr)

Gene: PLEC (plectin; minus strand). Cytogenetic location: 8q24.3.
Variant type: single nucleotide variant.
Coding change: c.3439G>T on transcript NM_201384.3 (MANE Select); coding-DNA position 3439, G replaced by T.
Protein change: p.Asp1147Tyr; replaces aspartic acid 1147 with tyrosine.
Molecular consequence: missense variant.
Genome position (GRCh38, 1-based): chr8:143,927,727, C>A on the plus strand (G>T on the coding strand, the complement: PLEC is on the minus strand). VCF-style: chr8-143927727-C-A. GRCh37 (hg19) VCF-style: chr8-145001895-C-A.
Other names: c.3520G>T, p.Asp1174Tyr (NM_000445.5, NM_001410941.1); c.3397G>T, p.Asp1133Tyr (NM_201378.4); c.3373G>T, p.Asp1125Tyr (NM_201379.3); c.3850G>T, p.Asp1284Tyr (NM_201380.4); c.3343G>T, p.Asp1115Tyr (NM_201381.3); c.3439G>T, p.Asp1147Tyr (NM_201382.4); c.3451G>T, p.Asp1151Tyr (NM_201383.3); short protein forms D1115Y, D1151Y, D1174Y, D1133Y, D1147Y, D1284Y, D1125Y.
Identifiers: ClinVar variation 4793628 (VCV004793628.1).